The following is an entry in ClinVar:

NM_000018.4(ACADVL):c.581C>T (p.Thr194Ile)

Gene: ACADVL (acyl-CoA dehydrogenase very long chain; plus strand). Cytogenetic location: 17p13.1.
Variant type: single nucleotide variant.
Coding change: c.581C>T on transcript NM_000018.4 (MANE Select); coding-DNA position 581, C replaced by T.
Protein change: p.Thr194Ile; replaces threonine 194 with isoleucine.
Molecular consequence: missense variant.
Genome position (GRCh38, 1-based): chr17:7,221,641, C>T. VCF-style: chr17-7221641-C-T. GRCh37 (hg19) VCF-style: chr17-7124960-C-T.
Other names: c.515C>T, p.Thr172Ile (NM_001033859.3); c.650C>T, p.Thr217Ile (NM_001270447.2); c.353C>T, p.Thr118Ile (NM_001270448.2); short protein forms T118I, T172I, T194I, T217I.
Identifiers: ClinVar variation 1306101 (VCV001306101.2), dbSNP rs753444680, ClinGen allele CA397723209.

ClinVar aggregate classification (germline): Uncertain significance (1 of 4 stars; one submission).

Submission:

GeneDx
Classification: Uncertain significance. Last evaluated: 2019-05-20. Review status: criteria provided, single submitter. Criteria: GeneDx Variant Classification Process June 2021. Collection method: clinical testing. Allele origin: germline. Affected: yes.
Comment: Has not been previously published as pathogenic or benign to our knowledge; Not observed in large population cohorts (Lek et al., 2016); In silico analysis, which includes protein predictors and evolutionary conservation, supports a deleterious effect